The following is an entry in ClinVar:

ClinVar aggregate classification (germline): Uncertain significance. Review status: criteria provided, multiple submitters, no conflicts (2 of 4 stars). 2 submissions from 2 submitters: Uncertain significance (2). Last evaluated 2021-08-27.

Conditions:
Brown-Vialetto-van Laere syndrome 2. Also called: SPINOCEREBELLAR ATAXIA WITH BLINDNESS AND DEAFNESS 2; Riboflavin transporter deficiency type 2. Identifiers: Orphanet 572543, Orphanet 97229, MedGen C3553538, MONDO:0013867, OMIM 614707.
Inborn genetic diseases. Identifiers: MedGen C0950123, MeSH D030342.

Allele frequency attached by ClinVar (database versions not stated): ExAC 0.00001; TOPMed 0.00001; gnomAD 0.00001; gnomAD exomes 0.00001.

Submissions (2):

Labcorp Genetics (formerly Invitae), Labcorp
Classification: Uncertain significance for Brown-Vialetto-van Laere syndrome 2. Last evaluated: 2021-08-27. Review status: criteria provided, single submitter. Criteria: Invitae Variant Classification Sherloc (09022015). Collection method: clinical testing. Allele origin: germline.
Comment: This sequence change replaces alanine with threonine at codon 206 of the SLC52A2 protein (p.Ala206Thr). The alanine residue is weakly conserved and there is a small physicochemical difference between alanine and threonine. This variant is present in population databases (rs782602991, ExAC 0.01%). This variant has not been reported in the literature in individuals affected with SLC52A2-related conditions. Algorithms developed to predict the effect of missense changes on protein structure and function output the following: SIFT: "Tolerated"; PolyPhen-2: "Benign"; Align-GVGD: "Class C0". The threonine amino acid residue is found in multiple mammalian species, which suggests that this missense change does not adversely affect protein function. In summary, the available evidence is currently insufficient to determine the role of this variant in disease. Therefore, it has been classified as a Variant of Uncertain Significance.

Ambry Genetics
Classification: Uncertain significance for Inborn genetic diseases. Last evaluated: 2019-12-26. Review status: criteria provided, single submitter. Criteria: Ambry Variant Classification Scheme 2023. Collection method: clinical testing. Allele origin: germline.
Comment: The p.A206T variant (also known as c.616G>A), located in coding exon 2 of the SLC52A2 gene, results from a G to A substitution at nucleotide position 616. The alanine at codon 206 is replaced by threonine, an amino acid with similar properties. This amino acid position is poorly conserved in available vertebrate species. In addition, this alteration is predicted to be tolerated by in silico analysis. Since supporting evidence is limited at this time, the clinical significance of this alteration remains unclear.

NM_001363118.2(SLC52A2):c.616G>A (p.Ala206Thr)

Gene: SLC52A2 (solute carrier family 52 member 2; plus strand). Cytogenetic location: 8q24.3.
Variant type: single nucleotide variant.
Coding change: c.616G>A on transcript NM_001363118.2 (MANE Select); coding-DNA position 616, G replaced by A.
Protein change: p.Ala206Thr; replaces alanine 206 with threonine.
Molecular consequence: missense variant. On other transcripts: non-coding transcript variant (1), intron variant (1).
Genome position (GRCh38, 1-based): chr8:144,360,108, G>A. VCF-style: chr8-144360108-G-A. GRCh37 (hg19) VCF-style: chr8-145583768-G-A.
Other names: c.616G>A, p.Ala206Thr (NM_001253815.2, NM_001253816.2, NM_001363120.2 and 2 more transcripts); c.131-7G>A (NM_001363122.2); short protein forms A206T.
Identifiers: ClinVar variation 664818 (VCV000664818.5), dbSNP rs782602991, ClinGen allele CA4938243.